The following is an entry in ClinVar:

NM_005235.3(ERBB4):c.3156T>C (p.Pro1052=)

Gene: ERBB4 (erb-b2 receptor tyrosine kinase 4; minus strand). Cytogenetic location: 2q34.
Variant type: single nucleotide variant.
Coding change: c.3156T>C on transcript NM_005235.3 (MANE Select); coding-DNA position 3156, T replaced by C.
Protein change: p.Pro1052=; no amino-acid change (proline 1052 retained).
Molecular consequence: synonymous variant. On other transcripts: intron variant (2).
Genome position (GRCh38, 1-based): chr2:211,387,972, A>G on the plus strand (T>C on the coding strand, the complement: ERBB4 is on the minus strand). VCF-style: chr2-211387972-A-G. GRCh37 (hg19) VCF-style: chr2-212252697-A-G.
Other names: c.3136-822T>C (NM_001042599.2); c.3106-822T>C (NM_001439006.1); c.3126T>C, p.Pro1042= (NM_001439005.1).
Identifiers: ClinVar variation 3356489 (VCV003356489.1).

ClinVar aggregate classification (germline): Likely benign (0 of 4 stars; one submission).

Conditions:
ERBB4-related disorder. Also called: ERBB4-related condition.

Submission:

PreventionGenetics, part of Exact Sciences
Classification: Likely benign for ERBB4-related condition. Last evaluated: 2023-01-27. Review status: no assertion criteria provided. Collection method: clinical testing. Allele origin: germline.
Comment: This variant is classified as likely benign based on ACMG/AMP sequence variant interpretation guidelines (Richards et al. 2015 PMID: 25741868, with internal and published modifications).